The following is an entry in ClinVar:

ClinVar aggregate classification (germline): Benign (0 of 4 stars; one submission).

Conditions:
TREH-related disorder. Also called: TREH-related condition.

Allele frequency attached by ClinVar (database versions not stated): ESP Exome Variant Server 0.00040; TOPMed 0.00052; gnomAD 0.00071; gnomAD exomes 0.00082; ExAC 0.00180; 1000 Genomes Project 30x 0.00265; 1000 Genomes Project 0.00319.
gnomAD v4.1: 1,286 of 1,609,182 alleles (0.08%); highest among the groups gnomAD compares: East Asian, 2%; 18 homozygotes.

Submission:

PreventionGenetics, part of Exact Sciences
Classification: Benign for TREH-related condition. Last evaluated: 2019-09-30. Review status: no assertion criteria provided. Collection method: clinical testing. Allele origin: germline.
Comment: This variant is classified as benign based on ACMG/AMP sequence variant interpretation guidelines (Richards et al. 2015 PMID: 25741868, with internal and published modifications).

NM_007180.3(TREH):c.1015A>G (p.Ile339Val)

Gene: TREH (trehalase; minus strand). Cytogenetic location: 11q23.3.
Variant type: single nucleotide variant.
Coding change: c.1015A>G on transcript NM_007180.3 (MANE Select); coding-DNA position 1015, A replaced by G.
Protein change: p.Ile339Val; replaces isoleucine 339 with valine.
Molecular consequence: missense variant.
Genome position (GRCh38, 1-based): chr11:118,660,626, T>C on the plus strand (A>G on the coding strand, the complement: TREH is on the minus strand). VCF-style: chr11-118660626-T-C. GRCh37 (hg19) VCF-style: chr11-118531335-T-C.
Other names: c.922A>G, p.Ile308Val (NM_001301065.2); short protein forms I308V, I339V.
Identifiers: ClinVar variation 3039816 (VCV003039816.2), dbSNP rs140687140, ClinGen allele CA6307927.